The following is an entry in ClinVar:

NM_015450.3(POT1):c.125-19A>G

Gene: POT1 (protection of telomeres 1; minus strand). Cytogenetic location: 7q31.33.
Variant type: single nucleotide variant.
Coding change: c.125-19A>G on transcript NM_015450.3 (MANE Select); 19 bases into the intron before coding-DNA position 125, A replaced by G.
Molecular consequence: intron variant.
Genome position (GRCh38, 1-based): chr7:124,871,060, T>C on the plus strand (A>G on the coding strand, the complement: POT1 is on the minus strand). VCF-style: chr7-124871060-T-C. GRCh37 (hg19) VCF-style: chr7-124511114-T-C.
Other names: c.-138-7420A>G (NM_001042594.2).
Identifiers: ClinVar variation 1969064 (VCV001969064.5), dbSNP rs2485505498, ClinGen allele CA2580076470.

ClinVar aggregate classification (germline): Uncertain significance (1 of 4 stars; one submission).

Conditions:
Tumor predisposition syndrome 3 (TPDS3). Also called: LONG TELOMERE SYNDROME, POT1-RELATED; POT1 Tumor Predisposition; Melanoma, cutaneous malignant, susceptibility to, 10; Glioma susceptibility 9. Identifiers: Orphanet 618, MedGen C4014476, MONDO:0014368, OMIM 615848.

Allele frequency attached by ClinVar (database versions not stated): gnomAD exomes below 0.00001.
gnomAD v4.1: 1 of 1,553,428 alleles (0.000064%); highest among the groups gnomAD compares: Non-Finnish European, 0.000087%; no homozygotes.

Submission:

Labcorp Genetics (formerly Invitae), Labcorp
Classification: Uncertain significance for Tumor predisposition syndrome 3. Last evaluated: 2024-04-25. Review status: criteria provided, single submitter. Criteria: Invitae Variant Classification Sherloc (09022015). Collection method: clinical testing. Allele origin: germline.
Comment: This sequence change falls in intron 6 of the POT1 gene. It does not directly change the encoded amino acid sequence of the POT1 protein. This variant is not present in population databases (gnomAD no frequency). This variant has not been reported in the literature in individuals affected with POT1-related conditions. ClinVar contains an entry for this variant (Variation ID: 1969064). Algorithms developed to predict the effect of sequence changes on RNA splicing suggest that this variant is not likely to affect RNA splicing. In summary, the available evidence is currently insufficient to determine the role of this variant in disease. Therefore, it has been classified as a Variant of Uncertain Significance.